The following is an entry in ClinVar:

ClinVar aggregate classification (germline): Pathogenic. Review status: criteria provided, single submitter (1 of 4 stars). 3 submissions from 3 submitters: Pathogenic (1). 2 of the submissions do not count toward it. Last evaluated 2024-12-18.

Conditions:
NLRP7-related disorder. Also called: NLRP7-related condition.
Hydatidiform mole, recurrent, 1 (HYDM1). Identifiers: Orphanet 254688, Orphanet 99927, MedGen C3463897, MONDO:0009273, OMIM 231090. Disease mechanism: loss of function.

Allele frequency attached by ClinVar (database versions not stated): ExAC 0.00001; gnomAD exomes 0.00002; TOPMed 0.00003; gnomAD 0.00007.

Submissions (3):

PreventionGenetics, part of Exact Sciences
Classification: Pathogenic for NLRP7-related condition. Last evaluated: 2024-12-18. Review status: criteria provided, single submitter. Criteria: ACMG Guidelines, 2015. Collection method: clinical testing. Allele origin: germline.
Comment: The NLRP7 c.939_952dup14 variant is predicted to result in a frameshift and premature protein termination (p.Tyr318Cysfs*7). This variant was reported in homozygous and compound heterozygous state in multiple individuals with hydatidiform mole (Wang et al. 2009. PubMed ID: 19246479; Hayward et al. 2009. PubMed ID: 19309689; Cozette et al. 2020. PubMed ID: 32592075; Fallahian et al. 2012. PubMed ID: 23125094). This variant is reported in 0.0070% of alleles in individuals of European (Non-Finnish) descent in gnomAD. Frameshift variants in NLRP7 are expected to be pathogenic. This variant is interpreted as pathogenic.

OMIM
Classification: Pathogenic for HYDATIDIFORM MOLE, RECURRENT, 1. Last evaluated: 2013-02-01. Review status: no assertion criteria provided. Collection method: literature only. Allele origin: germline. Not counted in ClinVar's aggregate classification.

Unité médicale des maladies autoinflammatoires, CHRU Montpellier
No classification provided. Condition: Hydatidiform mole. Review status: no classification provided. Collection method: not provided. Allele origin: unknown. Not counted in ClinVar's aggregate classification.

Literature cited by the submitters: PubMed 19246479 (cited by OMIM); PubMed 23125094 (cited by OMIM).

NM_001127255.2(NLRP7):c.939_952dup (p.Tyr318Cysfs)

Gene: NLRP7 (NLR family pyrin domain containing 7; minus strand). Cytogenetic location: 19q13.42.
Variant type: Duplication.
Coding change: c.939_952dup on transcript NM_001127255.2 (MANE Select); coding-DNA positions 939 to 952, 14 bases duplicated (GCAGCAGCCGATCT).
Protein change: p.Tyr318Cysfs; shifts the reading frame from tyrosine 318.
Molecular consequence: frameshift variant.
Genome position (GRCh38, 1-based): chr19:54,939,867-54,939,880, AGATCGGCTGCTGC duplicated on the plus strand (GCAGCAGCCGATCT on the coding strand, the reverse complement: NLRP7 is on the minus strand). VCF-style (leftmost placement, unchanged base first): chr19-54939866-T-TAGATCGGCTGCTGC. GRCh37 (hg19) VCF-style: chr19-55451234-T-TAGATCGGCTGCTGC.
Other names: c.939_952dup14 (NM_206828.3); c.939_952dup, p.Tyr318Cysfs (NM_001405531.1, NM_139176.4, NM_206828.4); short protein forms Y318fs.
Identifiers: ClinVar variation 97807 (VCV000097807.5), dbSNP rs104895547, ClinGen allele CA150151.